The following is an entry in ClinVar:

NM_000712.4(BLVRA):c.196C>G (p.Gln66Glu)

Gene: BLVRA (biliverdin reductase A; plus strand). Cytogenetic location: 7p13.
Variant type: single nucleotide variant.
Coding change: c.196C>G on transcript NM_000712.4 (MANE Select); coding-DNA position 196, C replaced by G.
Protein change: p.Gln66Glu; replaces glutamine 66 with glutamic acid.
Molecular consequence: missense variant.
Genome position (GRCh38, 1-based): chr7:43,791,310, C>G. VCF-style: chr7-43791310-C-G. GRCh37 (hg19) VCF-style: chr7-43830909-C-G.
Other names: c.196C>G, p.Gln66Glu (NM_001253823.2); short protein forms Q66E.
Identifiers: ClinVar variation 3636755 (VCV003636755.2).

ClinVar aggregate classification (germline): Uncertain significance (1 of 4 stars; one submission).

Submission:

Labcorp Genetics (formerly Invitae), Labcorp
Classification: Uncertain significance. Last evaluated: 2024-08-06. Review status: criteria provided, single submitter. Criteria: Invitae Variant Classification Sherloc (09022015). Collection method: clinical testing. Allele origin: germline.
Comment: This sequence change replaces glutamine, which is neutral and polar, with glutamic acid, which is acidic and polar, at codon 66 of the BLVRA protein (p.Gln66Glu). This variant is present in population databases (no rsID available, gnomAD 0.003%). This variant has not been reported in the literature in individuals affected with BLVRA-related conditions. An algorithm developed to predict the effect of missense changes on protein structure and function outputs the following: PolyPhen-2: "Benign". The glutamic acid amino acid residue is found in multiple mammalian species, which suggests that this missense change does not adversely affect protein function. In summary, the available evidence is currently insufficient to determine the role of this variant in disease. Therefore, it has been classified as a Variant of Uncertain Significance.